The following is an entry in ClinVar:

ClinVar aggregate classification (germline): Benign. Review status: criteria provided, multiple submitters, no conflicts (2 of 4 stars). 2 submissions from 2 submitters: Benign (2). Last evaluated 2018-06-16.

Allele frequency attached by ClinVar (database versions not stated): gnomAD 0.04097; 1000 Genomes Project 0.04293; TOPMed 0.04570; 1000 Genomes Project 30x 0.04638.

Submissions (2):

GeneDx
Classification: Benign. Last evaluated: 2018-06-16. Review status: criteria provided, single submitter. Criteria: GeneDx Variant Classification (06012015). Collection method: clinical testing. Allele origin: germline. Affected: yes.
Comment: This variant is considered likely benign or benign based on one or more of the following criteria: it is a conservative change, it occurs at a poorly conserved position in the protein, it is predicted to be benign by multiple in silico algorithms, and/or has population frequency not consistent with disease.

Breakthrough Genomics
Classification: Benign. Review status: criteria provided, single submitter. Criteria: ACMG Guidelines, 2015. Collection method: not provided. Allele origin: germline. Inheritance: Autosomal recessive inheritance. Affected: yes.

NM_002291.3(LAMB1):c.4887+95A>T

Gene: LAMB1 (laminin subunit beta 1; minus strand). Cytogenetic location: 7q31.1.
Variant type: single nucleotide variant.
Coding change: c.4887+95A>T on transcript NM_002291.3 (MANE Select); 95 bases into the intron after coding-DNA position 4887, A replaced by T.
Molecular consequence: intron variant.
Genome position (GRCh38, 1-based): chr7:107,928,969, T>A on the plus strand (A>T on the coding strand, the complement: LAMB1 is on the minus strand). VCF-style: chr7-107928969-T-A. GRCh37 (hg19) VCF-style: chr7-107569414-T-A.
Identifiers: ClinVar variation 683002 (VCV000683002.2), dbSNP rs73410500, ClinGen allele CA164267031.